The following is an entry in ClinVar:

NM_007294.4(BRCA1):c.2921T>G (p.Leu974Ter)

Gene: BRCA1 (BRCA1 DNA repair associated; minus strand). Cytogenetic location: 17q21.31.
Variant type: single nucleotide variant.
Coding change: c.2921T>G on transcript NM_007294.4 (MANE Select); coding-DNA position 2921, T replaced by G.
Protein change: p.Leu974Ter; replaces leucine 974 with a stop codon.
Molecular consequence: nonsense. On other transcripts: intron variant (137).
Genome position (GRCh38, 1-based): chr17:43,092,610, A>C on the plus strand (T>G on the coding strand, the complement: BRCA1 is on the minus strand). VCF-style: chr17-43092610-A-C. GRCh37 (hg19) VCF-style: chr17-41244627-A-C.
Other names: c.2708T>G, p.Leu903Ter (NM_001407571.1, NM_001407853.1, NM_001407894.1 and 9 more transcripts); c.2921T>G, p.Leu974Ter (NM_001407581.1, NM_001407582.1, NM_001407583.1 and 30 more transcripts); c.2918T>G, p.Leu973Ter (NM_001407587.1, NM_001407590.1, NM_001407591.1 and 22 more transcripts); c.2912T>G, p.Leu971Ter (NM_001407646.1, NM_001407647.1); c.2798T>G, p.Leu933Ter (NM_001407648.1, NM_001407664.1, NM_001407665.1 and 19 more transcripts); c.2795T>G, p.Leu932Ter (NM_001407649.1, NM_001407670.1, NM_001407671.1 and 11 more transcripts); c.2843T>G, p.Leu948Ter (NM_001407653.1, NM_001407654.1, NM_001407655.1 and 4 more transcripts); c.2840T>G, p.Leu947Ter (NM_001407659.1, NM_001407660.1, NM_001407661.1 and 1 more transcripts); and 41 more; short protein forms L927*, L974*, L806*, L847*, L885*, L886*, L926*, L947*.
Identifiers: ClinVar variation 993201 (VCV000993201.2), dbSNP rs80356872, ClinGen allele CA10596153.

ClinVar aggregate classification (germline): Likely pathogenic (1 of 4 stars; one submission).

Submission:

Quest Diagnostics Nichols Institute San Juan Capistrano
Classification: Likely pathogenic. Last evaluated: 2020-03-27. Review status: criteria provided, single submitter. Criteria: Quest Diagnostics criteria. Collection method: clinical testing. Allele origin: unknown.
Comment: The variant creates a premature nonsense codon, and is therefore predicted to result in the loss of a functional protein. Not found in the total gnomAD dataset, and the data is high quality.

Literature cited by the submitters: PubMed 19892845.